The following is an entry in ClinVar:

ClinVar aggregate classification (germline): Uncertain significance (1 of 4 stars; one submission).

Conditions:
Arrhythmogenic right ventricular dysplasia 11. Also called: Arrhythmogenic right ventricular dysplasia 11 with mild palmoplantar keratoderma and woolly hair; Arrhythmogenic Right Ventricular Dysplasia/Cardiomyopathy11; ARRHYTHMOGENIC RIGHT VENTRICULAR DYSPLASIA, FAMILIAL, 11. Identifiers: MedGen C1864850, MONDO:0012506, OMIM 610476.

Submission:

Labcorp Genetics (formerly Invitae), Labcorp
Classification: Uncertain significance for Arrhythmogenic right ventricular dysplasia 11. Last evaluated: 2021-03-10. Review status: criteria provided, single submitter. Criteria: Invitae Variant Classification Sherloc (09022015). Collection method: clinical testing. Allele origin: germline.
Comment: This sequence change replaces glutamic acid with aspartic acid at codon 888 of the DSC2 protein (p.Glu888Asp). The glutamic acid residue is moderately conserved and there is a small physicochemical difference between glutamic acid and aspartic acid. This variant is not present in population databases (ExAC no frequency). This variant has not been reported in the literature in individuals with DSC2-related conditions. Algorithms developed to predict the effect of missense changes on protein structure and function are either unavailable or do not agree on the potential impact of this missense change (SIFT: "Tolerated"; PolyPhen-2: "Probably Damaging"; Align-GVGD: "Class C0"). In summary, the available evidence is currently insufficient to determine the role of this variant in disease. Therefore, it has been classified as a Variant of Uncertain Significance.

NM_024422.6(DSC2):c.2664G>C (p.Glu888Asp)

Gene: DSC2 (desmocollin 2; minus strand). Cytogenetic location: 18q12.1.
Variant type: single nucleotide variant.
Coding change: c.2664G>C on transcript NM_024422.6 (MANE Select); coding-DNA position 2664, G replaced by C.
Protein change: p.Glu888Asp; replaces glutamic acid 888 with aspartic acid.
Molecular consequence: missense variant. On other transcripts: 3 prime UTR variant (1).
Genome position (GRCh38, 1-based): chr18:31,068,057, C>G on the plus strand (G>C on the coding strand, the complement: DSC2 is on the minus strand). VCF-style: chr18-31068057-C-G. GRCh37 (hg19) VCF-style: chr18-28648023-C-G.
Other names: c.*166G>C (NM_004949.5); short protein forms E888D.
Identifiers: ClinVar variation 1515884 (VCV001515884.8), dbSNP rs748675400, ClinGen allele CA402110124.